The following is an entry in ClinVar:

NM_000081.4(LYST):c.2179C>G (p.Gln727Glu)

Gene: LYST (lysosomal trafficking regulator; minus strand). Cytogenetic location: 1q42.3.
Variant type: single nucleotide variant.
Coding change: c.2179C>G on transcript NM_000081.4 (MANE Select); coding-DNA position 2179, C replaced by G.
Protein change: p.Gln727Glu; replaces glutamine 727 with glutamic acid.
Molecular consequence: missense variant.
Genome position (GRCh38, 1-based): chr1:235,808,639, G>C on the plus strand (C>G on the coding strand, the complement: LYST is on the minus strand). VCF-style: chr1-235808639-G-C. GRCh37 (hg19) VCF-style: chr1-235971939-G-C.
Other names: c.2179C>G (NM_000081.2); c.2179C>G, p.Gln727Glu (NM_001301365.1); short protein forms Q727E.
Identifiers: ClinVar variation 1022493 (VCV001022493.7), dbSNP rs771583567, ClinGen allele CA1467344.

ClinVar aggregate classification (germline): Uncertain significance. Review status: criteria provided, multiple submitters, no conflicts (2 of 4 stars). 2 submissions from 2 submitters: Uncertain significance (2). Last evaluated 2024-12-16.

Conditions:
Chédiak-Higashi syndrome (CHS). Also called: Chediak-Higashi Syndrome. Identifiers: Orphanet 167, MedGen C0007965, MONDO:0008963, OMIM 214500.
Inborn genetic diseases. Identifiers: MedGen C0950123, MeSH D030342.

Allele frequency attached by ClinVar (database versions not stated): ExAC 0.00001; gnomAD exomes 0.00001; gnomAD 0.00002; TOPMed 0.00003.
gnomAD v4.1: 14 of 1,612,724 alleles (0.00087%); highest among the groups gnomAD compares: Non-Finnish European, 0.0012%; no homozygotes.

Submissions (2):

Ambry Genetics
Classification: Uncertain significance for Inborn genetic diseases. Last evaluated: 2024-12-16. Review status: criteria provided, single submitter. Criteria: Ambry Variant Classification Scheme 2023. Collection method: clinical testing. Allele origin: germline.

Labcorp Genetics (formerly Invitae), Labcorp
Classification: Uncertain significance for Chédiak-Higashi syndrome. Last evaluated: 2022-01-06. Review status: criteria provided, single submitter. Criteria: Invitae Variant Classification Sherloc (09022015). Collection method: clinical testing. Allele origin: germline.
Comment: This sequence change replaces glutamine, which is neutral and polar, with glutamic acid, which is acidic and polar, at codon 727 of the LYST protein (p.Gln727Glu). This variant is present in population databases (rs771583567, gnomAD 0.002%). This variant has not been reported in the literature in individuals affected with LYST-related conditions. ClinVar contains an entry for this variant (Variation ID: 1022493). Algorithms developed to predict the effect of missense changes on protein structure and function (SIFT, PolyPhen-2, Align-GVGD) all suggest that this variant is likely to be tolerated. In summary, the available evidence is currently insufficient to determine the role of this variant in disease. Therefore, it has been classified as a Variant of Uncertain Significance.